The following is an entry in ClinVar:

NM_001346754.2(PIGW):c.1020C>T (p.Ala340=)

Genes: MYO19 (myosin XIX; minus strand), PIGW (phosphatidylinositol glycan anchor biosynthesis class W; plus strand). Cytogenetic location: 17q12.
Variant type: single nucleotide variant.
Coding change: c.1020C>T on transcript NM_001346754.2 (MANE Select); coding-DNA position 1020, C replaced by T.
Protein change: p.Ala340=; no amino-acid change (alanine 340 retained).
Molecular consequence: synonymous variant.
Genome position (GRCh38, 1-based): chr17:36,538,121, C>T. VCF-style: chr17-36538121-C-T. GRCh37 (hg19) VCF-style: chr17-34893970-C-T.
Other names: c.1020C>T, p.Ala340= (NM_001346755.2, NM_178517.5).
Identifiers: ClinVar variation 768874 (VCV000768874.13), dbSNP rs74323480, ClinGen allele CA290116497.
Genomic context (GRCh38, chr17:36,538,121, plus strand): 5'-GCAAACAGGGTTATATATGCATAAGAACCGATCACATATCAAAGACTTGATAAAAGTAGC[C>T]TGTTTTCTTTTACTGGCAGCTATTAGCCTCTTCATATCTCTTTACGTAGTTCAAGTAAAT-3'
Protein context (NP_001333683.1, residues 330-350): RSHIKDLIKV[Ala340=]CFLLLAAISL

ClinVar aggregate classification (germline): Benign/Likely benign. Review status: criteria provided, multiple submitters, no conflicts (2 of 4 stars). 3 submissions from 3 submitters: Benign (2); Likely benign (1). Last evaluated 2026-01-30.

Conditions:
Hyperphosphatasia with intellectual disability syndrome 5 (GPIBD11). Also called: GLYCOSYLPHOSPHATIDYLINOSITOL BIOSYNTHESIS DEFECT 11. Identifiers: Orphanet 247262, MedGen C4014958, MONDO:0014457, OMIM 616025.

Allele frequency attached by ClinVar (database versions not stated): 1000 Genomes Project 30x 0.00906; gnomAD 0.00953 and 0.00892; gnomAD exomes 0.00214 and 0.00085; ExAC 0.00268; 1000 Genomes Project 0.00859; ESP Exome Variant Server 0.00861; TOPMed 0.00962.
gnomAD v4.1: 2,640 of 1,614,162 alleles (0.16%); highest among the groups gnomAD compares: African/African-American, 3.2%; 50 homozygotes.

Submissions (3):

Labcorp Genetics (formerly Invitae), Labcorp
Classification: Benign for Hyperphosphatasia with intellectual disability syndrome 5. Last evaluated: 2026-01-30. Review status: criteria provided, single submitter. Criteria: Invitae Variant Classification Sherloc (09022015). Collection method: clinical testing. Allele origin: germline.

GeneDx
Classification: Likely benign. Last evaluated: 2021-05-06. Review status: criteria provided, single submitter. Criteria: GeneDx Variant Classification Process June 2021. Collection method: clinical testing. Allele origin: germline. Affected: yes.
Comment: See Variant Classification Assertion Criteria.

Breakthrough Genomics
Classification: Benign. Review status: criteria provided, single submitter. Criteria: ACMG Guidelines, 2015. Collection method: not provided. Allele origin: germline. Inheritance: Autosomal recessive inheritance. Affected: yes.